The following is an entry in ClinVar:

ClinVar aggregate classification (germline): Uncertain significance. Review status: criteria provided, multiple submitters, no conflicts (2 of 4 stars). 4 submissions from 4 submitters: Uncertain significance (4). Last evaluated 2026-08-06.

Conditions:
Vici syndrome (VICIS). Identifiers: Orphanet 1493, MedGen C1855772, MONDO:0009452, OMIM 242840.
Inborn genetic diseases. Identifiers: MedGen C0950123, MeSH D030342.
EPG5-related disorder. Also called: EPG5-related condition. Identifiers: MedGen CN381528.

Allele frequency attached by ClinVar (database versions not stated): ExAC 0.00002.
gnomAD v4.1: 21 of 1,614,072 alleles (0.0013%); highest among the groups gnomAD compares: African/African-American, 0.027%; no homozygotes.

Submissions (4):

OLLIN Analises Genomicas, OLLIN
Classification: Uncertain significance for Vici syndrome. Last evaluated: 2026-08-06. Review status: criteria provided, single submitter. Criteria: ACMG Guidelines 2015 PMID 25741868. Collection method: clinical testing. Allele origin: germline. Inheritance: Autosomal recessive inheritance.
Comment: This missense variant, located in exon 3 (of 44), has been reported in ClinVar (accession VCV003275867.2) and in gnomAD with an allele frequency of 0.0013%. However, to our knowledge, it has not been reported in the scientific literature. In silico analysis is inconclusive regarding the impact of this variant. According to the currently available evidence, this variant has been classified as uncertain significance (PM2_P).

Labcorp Genetics (formerly Invitae), Labcorp
Classification: Uncertain significance for Vici syndrome. Last evaluated: 2025-12-23. Review status: criteria provided, single submitter. Criteria: Invitae Variant Classification Sherloc (09022015). Collection method: clinical testing. Allele origin: germline.
Comment: This sequence change replaces arginine, which is basic and polar, with leucine, which is neutral and non-polar, at codon 350 of the EPG5 protein (p.Arg350Leu). This variant is present in population databases (rs761712550, gnomAD 0.03%). This variant has not been reported in the literature in individuals affected with EPG5-related conditions. ClinVar contains an entry for this variant (Variation ID: 2044641). Invitae Evidence Modeling of protein sequence and biophysical properties (such as structural, functional, and spatial information, amino acid conservation, physicochemical variation, residue mobility, and thermodynamic stability) has been performed for this missense variant. However, the output from this modeling did not meet the statistical confidence thresholds required to predict the impact of this variant on EPG5 protein function. In summary, the available evidence is currently insufficient to determine the role of this variant in disease. Therefore, it has been classified as a Variant of Uncertain Significance.

Ambry Genetics
Classification: Uncertain significance for Inborn genetic diseases. Last evaluated: 2025-07-16. Review status: criteria provided, single submitter. Criteria: Ambry Variant Classification Scheme 2023. Collection method: clinical testing. Allele origin: germline.

PreventionGenetics, part of Exact Sciences
Classification: Uncertain significance for EPG5-related condition. Last evaluated: 2025-02-11. Review status: criteria provided, single submitter. Criteria: ACMG Guidelines, 2015. Collection method: clinical testing. Allele origin: germline.
Comment: The EPG5 c.1049G>T variant is predicted to result in the amino acid substitution p.Arg350Leu. To our knowledge, this variant has not been reported in the literature. This variant is reported in 0.029% of alleles in individuals of African descent in gnomAD. At this time, the clinical significance of this variant is uncertain due to the absence of conclusive functional and genetic evidence.

NM_020964.3(EPG5):c.1049G>T (p.Arg350Leu)

Gene: EPG5 (ectopic P-granules 5 autophagy tethering factor; minus strand). Cytogenetic location: 18q21.1.
Variant type: single nucleotide variant.
Coding change: c.1049G>T on transcript NM_020964.3 (MANE Select); coding-DNA position 1049, G replaced by T.
Protein change: p.Arg350Leu; replaces arginine 350 with leucine.
Molecular consequence: missense variant.
Genome position (GRCh38, 1-based): chr18:45,952,603, C>A on the plus strand (G>T on the coding strand, the complement: EPG5 is on the minus strand). VCF-style: chr18-45952603-C-A. GRCh37 (hg19) VCF-style: chr18-43532569-C-A.
Other names: c.1049G>T (NM_020964.2); c.1049G>T, p.Arg350Leu (NM_001410858.1, NM_001410859.1); short protein forms R350L.
Identifiers: ClinVar variation 2044641 (VCV002044641.5), dbSNP rs761712550, ClinGen allele CA8949824.